The following is an entry in ClinVar:

NM_000701.8(ATP1A1):c.2413G>A (p.Val805Ile)

Genes: ATP1A1 (ATPase Na+/K+ transporting subunit alpha 1; plus strand), ATP1A1-AS1 (ATP1A1 antisense RNA 1; minus strand). Cytogenetic location: 1p13.1.
Variant type: single nucleotide variant.
Coding change: c.2413G>A on transcript NM_000701.8 (MANE Select); coding-DNA position 2413, G replaced by A.
Protein change: p.Val805Ile; replaces valine 805 with isoleucine.
Molecular consequence: missense variant. On other transcripts: non-coding transcript variant (1).
Genome position (GRCh38, 1-based): chr1:116,399,049, G>A. VCF-style: chr1-116399049-G-A. GRCh37 (hg19) VCF-style: chr1-116941671-G-A.
Other names: c.2413G>A, p.Val805Ile (NM_001160233.2); c.2320G>A, p.Val774Ile (NM_001160234.2); short protein forms V774I, V805I.
Identifiers: ClinVar variation 3633598 (VCV003633598.2).

ClinVar aggregate classification (germline): Uncertain significance (1 of 4 stars; one submission).

Submission:

Labcorp Genetics (formerly Invitae), Labcorp
Classification: Uncertain significance. Last evaluated: 2024-11-15. Review status: criteria provided, single submitter. Criteria: Invitae Variant Classification Sherloc (09022015). Collection method: clinical testing. Allele origin: germline.
Comment: This sequence change replaces valine, which is neutral and non-polar, with isoleucine, which is neutral and non-polar, at codon 805 of the ATP1A1 protein (p.Val805Ile). This variant is not present in population databases (gnomAD no frequency). This variant has not been reported in the literature in individuals affected with ATP1A1-related conditions. Invitae Evidence Modeling of protein sequence and biophysical properties (such as structural, functional, and spatial information, amino acid conservation, physicochemical variation, residue mobility, and thermodynamic stability) indicates that this missense variant is not expected to disrupt ATP1A1 protein function with a negative predictive value of 95%. In summary, the available evidence is currently insufficient to determine the role of this variant in disease. Therefore, it has been classified as a Variant of Uncertain Significance.